The following is an entry in ClinVar:

ClinVar aggregate classification (germline): Likely benign. Review status: criteria provided, multiple submitters, no conflicts (2 of 4 stars). 3 submissions from 3 submitters: Likely benign (3). Last evaluated 2025-05-19.

Conditions:
Epidermolysis bullosa simplex, Ogna type (EBS5A). Also called: Pidermolysis bullosa simplex 5A, Ogna type; EPIDERMOLYSIS BULLOSA SIMPLEX 5A, OGNA TYPE. Identifiers: Orphanet 79401, MedGen C0432317, MONDO:0007555, OMIM 131950.
Epidermolysis bullosa simplex with nail dystrophy (EBS5D). Identifiers: MedGen C4225309, MONDO:0014661, OMIM 616487.
Epidermolysis bullosa simplex 5B, with muscular dystrophy (EBS5B). Also called: EPIDERMOLYSIS BULLOSA SIMPLEX AND LIMB-GIRDLE MUSCULAR DYSTROPHY; Epidermolysis bullosa simplex with muscular dystrophy. Identifiers: Orphanet 257, MedGen C2931072, MONDO:0009181, OMIM 226670.
Epidermolysis bullosa simplex 5C, with pyloric atresia (EBS5C). Also called: PLEC1-Related Epidermolysis Bullosa with Pyloric Atresia; Epidermolysis bullosa simplex with pyloric atresia; PLEC-Related Epidermolysis Bullosa with Pyloric Atresia. Identifiers: Orphanet 158684, MedGen C2677349, MONDO:0012807, OMIM 612138.
Autosomal recessive limb-girdle muscular dystrophy type 2Q (LGMDR17). Also called: MUSCULAR DYSTROPHY, LIMB-GIRDLE, AUTOSOMAL RECESSIVE 17. Identifiers: Orphanet 254361, MedGen C3150989, MONDO:0013390, OMIM 613723.

Allele frequency attached by ClinVar (database versions not stated): TOPMed 0.00003; gnomAD 0.00006; 1000 Genomes Project 30x 0.00016; 1000 Genomes Project 0.00020.

Submissions (3):

Labcorp Genetics (formerly Invitae), Labcorp
Classification: Likely benign for Autosomal recessive limb-girdle muscular dystrophy type 2Q; Epidermolysis bullosa simplex, Ogna type; Epidermolysis bullosa simplex with nail dystrophy; Epidermolysis bullosa simplex 5C, with pyloric atresia; Epidermolysis bullosa simplex 5B, with muscular dystrophy. Last evaluated: 2025-05-19. Review status: criteria provided, single submitter. Criteria: Invitae Variant Classification Sherloc (09022015). Collection method: clinical testing. Allele origin: germline.

Blueprint Genetics
Classification: Likely benign. Last evaluated: 2024-05-30. Review status: criteria provided, single submitter. Criteria: ACMG Guidelines, 2015. Collection method: clinical testing. Allele origin: germline.

GeneDx
Classification: Likely benign. Last evaluated: 2018-01-12. Review status: criteria provided, single submitter. Criteria: GeneDx Variant Classification (06012015). Collection method: clinical testing. Allele origin: germline. Affected: yes.
Comment: This variant is considered likely benign or benign based on one or more of the following criteria: it is a conservative change, it occurs at a poorly conserved position in the protein, it is predicted to be benign by multiple in silico algorithms, and/or has population frequency not consistent with disease.

NM_201384.3(PLEC):c.11328C>T (p.Thr3776=)

Gene: PLEC (plectin; minus strand). Cytogenetic location: 8q24.3.
Variant type: single nucleotide variant.
Coding change: c.11328C>T on transcript NM_201384.3 (MANE Select); coding-DNA position 11328, C replaced by T.
Protein change: p.Thr3776=; no amino-acid change (threonine 3776 retained).
Molecular consequence: synonymous variant.
Genome position (GRCh38, 1-based): chr8:143,918,493, G>A on the plus strand (C>T on the coding strand, the complement: PLEC is on the minus strand). VCF-style: chr8-143918493-G-A. GRCh37 (hg19) VCF-style: chr8-144992661-G-A.
Other names: c.11409C>T, p.Thr3803= (NM_000445.5); c.11286C>T, p.Thr3762= (NM_201378.4); c.11262C>T, p.Thr3754= (NM_201379.3); c.11739C>T, p.Thr3913= (NM_201380.4); c.11232C>T, p.Thr3744= (NM_201381.3); c.11328C>T, p.Thr3776= (NM_201382.4); c.11340C>T, p.Thr3780= (NM_201383.3).
Identifiers: ClinVar variation 514672 (VCV000514672.11), dbSNP rs558415777, ClinGen allele CA4924376.